The following is an entry in ClinVar:

ClinVar aggregate classification (germline): Uncertain significance (1 of 4 stars; one submission).

Conditions:
Primary ciliary dyskinesia. Also called: Ciliary dyskinesia. Identifiers: Orphanet 244, MedGen C0008780, MONDO:0016575, HP:0012265.

Allele frequency attached by ClinVar (database versions not stated): gnomAD exomes 0.00001.

Submission:

Labcorp Genetics (formerly Invitae), Labcorp
Classification: Uncertain significance for Primary ciliary dyskinesia. Last evaluated: 2019-12-13. Review status: criteria provided, single submitter. Criteria: Invitae Variant Classification Sherloc (09022015). Collection method: clinical testing. Allele origin: germline.
Comment: In summary, the available evidence is currently insufficient to determine the role of this variant in disease. Therefore, it has been classified as a Variant of Uncertain Significance. Algorithms developed to predict the effect of missense changes on protein structure and function (SIFT, PolyPhen-2, Align-GVGD) all suggest that this variant is likely to be tolerated, but these predictions have not been confirmed by published functional studies and their clinical significance is uncertain. This variant has not been reported in the literature in individuals with ZMYND10-related conditions. This variant is not present in population databases (ExAC no frequency). This sequence change replaces glycine with aspartic acid at codon 241 of the ZMYND10 protein (p.Gly241Asp). The glycine residue is weakly conserved and there is a moderate physicochemical difference between glycine and aspartic acid.

NM_015896.4(ZMYND10):c.722G>A (p.Gly241Asp)

Gene: ZMYND10 (zinc finger MYND-type containing 10; minus strand). Cytogenetic location: 3p21.31.
Variant type: single nucleotide variant.
Coding change: c.722G>A on transcript NM_015896.4 (MANE Select); coding-DNA position 722, G replaced by A.
Protein change: p.Gly241Asp; replaces glycine 241 with aspartic acid.
Molecular consequence: missense variant.
Genome position (GRCh38, 1-based): chr3:50,342,548, C>T on the plus strand (G>A on the coding strand, the complement: ZMYND10 is on the minus strand). VCF-style: chr3-50342548-C-T. GRCh37 (hg19) VCF-style: chr3-50379979-C-T.
Other names: c.707G>A, p.Gly236Asp (NM_001308379.2); short protein forms G236D, G241D.
Identifiers: ClinVar variation 859004 (VCV000859004.16), dbSNP rs765212360, ClinGen allele CA352940357.
Genomic context (GRCh38, chr3:50,342,548, plus strand): 5'-TGCCCGTCCAACTTGCTCAGCTTTTGCTGCTCTGAGGGGGCCACAGTATGCCAACGGCTG[C>T]CCTCGAACTGCTGCAGCTTGCCTGGGGAGAGGAACCAGCACACTGGGTGCAGACGTTGAA-3'
Protein context (NP_056980.2, residues 231-251): REGGKLQQFE[Gly241Asp]SRWHTVAPSE